The following is an entry in ClinVar:

ClinVar aggregate classification (germline): Uncertain significance. Review status: criteria provided, multiple submitters, no conflicts (2 of 4 stars). 2 submissions from 2 submitters: Uncertain significance (2). Last evaluated 2025-02-27.

gnomAD v4.1: 1 of 1,613,910 alleles (0.000062%); highest among the groups gnomAD compares: Non-Finnish European, 0.000085%; no homozygotes.

Submissions (2):

Labcorp Genetics (formerly Invitae), Labcorp
Classification: Uncertain significance. Last evaluated: 2025-02-27. Review status: criteria provided, single submitter. Criteria: Invitae Variant Classification Sherloc (09022015). Collection method: clinical testing. Allele origin: germline.
Comment: This sequence change replaces alanine, which is neutral and non-polar, with threonine, which is neutral and polar, at codon 744 of the OPA1 protein (p.Ala744Thr). This variant is not present in population databases (gnomAD no frequency). This missense change has been observed in individual(s) with spastic ataxia (PMID: 29482223). This variant is also known as c.2341G>A, p.Ala781Thr. ClinVar contains an entry for this variant (Variation ID: 1318782). Invitae Evidence Modeling of protein sequence and biophysical properties (such as structural, functional, and spatial information, amino acid conservation, physicochemical variation, residue mobility, and thermodynamic stability) indicates that this missense variant is expected to disrupt OPA1 protein function with a positive predictive value of 80%. In summary, the available evidence is currently insufficient to determine the role of this variant in disease. Therefore, it has been classified as a Variant of Uncertain Significance.

GeneDx
Classification: Uncertain significance. Last evaluated: 2020-04-03. Review status: criteria provided, single submitter. Criteria: GeneDx Variant Classification Process June 2021. Collection method: clinical testing. Allele origin: germline. Affected: yes.
Comment: Has been reported previously in a patient with spastic ataxia; however additional clinical information nor segregation data was provided in this report (Coutelier et al., 2018); Not observed in large population cohorts (Lek et al., 2016); In silico analysis supports that this missense variant has a deleterious effect on protein structure/function; This variant is associated with the following publications: (PMID: 29482223)

Literature cited by the submitters: PubMed 29482223 (cited by Labcorp Genetics (formerly Invitae), Labcorp).

NM_130837.3(OPA1):c.2395G>A (p.Ala799Thr)

Gene: OPA1 (OPA1 mitochondrial dynamin like GTPase; plus strand). Cytogenetic location: 3q29.
Variant type: single nucleotide variant.
Coding change: c.2395G>A on transcript NM_130837.3 (MANE Select); coding-DNA position 2395, G replaced by A.
Protein change: p.Ala799Thr; replaces alanine 799 with threonine.
Molecular consequence: missense variant.
Genome position (GRCh38, 1-based): chr3:193,658,950, G>A. VCF-style: chr3-193658950-G-A. GRCh37 (hg19) VCF-style: chr3-193376739-G-A.
Other names: c.1861G>A, p.Ala621Thr (NM_001354663.2); c.1858G>A, p.Ala620Thr (NM_001354664.2); c.2230G>A, p.Ala744Thr (NM_015560.3); c.2122G>A, p.Ala708Thr (NM_130831.3); c.2176G>A, p.Ala726Thr (NM_130832.3); c.2233G>A, p.Ala745Thr (NM_130833.3); c.2284G>A, p.Ala762Thr (NM_130834.3); c.2287G>A, p.Ala763Thr (NM_130835.3); and 1 more; short protein forms A620T, A621T, A708T, A726T, A744T, A745T, A762T, A763T.
Identifiers: ClinVar variation 1318782 (VCV001318782.3), dbSNP rs2109186848, ClinGen allele CA355791894.
Genomic context (GRCh38, chr3:193,658,950, plus strand): 5'-GTTATTCAACACAATGCTTTGGAAGACCGATCCATATCTGATAAACAGCAATGGGATGCA[G>A]CTATTTATTTTATGGAAGAGGCTCTGCAGGCTCGTCTCAAGGATAGTAAGTGGAGACACG-3'
Protein context (NP_570850.2, residues 789-809): SISDKQQWDA[Ala799Thr]IYFMEEALQA